The following is an entry in ClinVar:

ClinVar aggregate classification (germline): Conflicting classifications of pathogenicity. Review status: criteria provided, conflicting classifications (1 of 4 stars). 3 submissions from 3 submitters: Uncertain significance (1); Likely benign (2). Last evaluated 2025-11-20.

Allele frequency attached by ClinVar (database versions not stated): gnomAD exomes 0.00042; ExAC 0.00043; 1000 Genomes Project 30x 0.00047; 1000 Genomes Project 0.00060; ESP Exome Variant Server 0.00062; gnomAD 0.00066; TOPMed 0.00078.
gnomAD v4.1: 771 of 1,614,094 alleles (0.048%); highest among the groups gnomAD compares: Admixed American, 0.08%; no homozygotes.

Submissions (3):

Mayo Clinic Laboratories, Mayo Clinic
Classification: Likely benign. Last evaluated: 2025-11-20. Review status: criteria provided, single submitter. Criteria: ACMG Guidelines, 2015. Collection method: clinical testing. Allele origin: germline. Observed: 3 variant alleles.
Comment: BS1, BP4_moderate

Labcorp Genetics (formerly Invitae), Labcorp
Classification: Likely benign. Last evaluated: 2025-11-03. Review status: criteria provided, single submitter. Criteria: Invitae Variant Classification Sherloc (09022015). Collection method: clinical testing. Allele origin: germline.

CeGaT Center for Human Genetics Tuebingen
Classification: Uncertain significance. Last evaluated: 2023-05-01. Review status: criteria provided, single submitter. Criteria: CeGaT Center For Human Genetics Tuebingen Variant Classification Criteria Version 2. Collection method: clinical testing. Allele origin: germline. Affected: yes. Observed: 1 variant allele.
Comment: VPS13D: PM2, BP4

NM_015378.4(VPS13D):c.6303T>G (p.His2101Gln)

Gene: VPS13D (vacuolar protein sorting 13 homolog D; plus strand). Cytogenetic location: 1p36.22.
Variant type: single nucleotide variant.
Coding change: c.6303T>G on transcript NM_015378.4 (MANE Select); coding-DNA position 6303, T replaced by G.
Protein change: p.His2101Gln; replaces histidine 2101 with glutamine.
Molecular consequence: missense variant.
Genome position (GRCh38, 1-based): chr1:12,304,592, T>G. VCF-style: chr1-12304592-T-G. GRCh37 (hg19) VCF-style: chr1-12364649-T-G.
Other names: p.His2101Gln; c.6303T>G, p.His2101Gln (NM_018156.4); short protein forms H2101Q.
Identifiers: ClinVar variation 1612106 (VCV001612106.36), dbSNP rs143933696, ClinGen allele CA602560.